The following is an entry in ClinVar:

ClinVar aggregate classification (germline): Uncertain significance (1 of 4 stars; one submission).
ClinVar aggregate classification (oncogenicity): Uncertain significance (0 of 4 stars; one submission).

Conditions:
Gastrointestinal stromal tumor. Also called: Gastrointestinal stroma tumor; Gastrointestinal stromal tumor, somatic. Identifiers: Orphanet 44890, MedGen C0238198, MeSH D046152, MONDO:0011719, OMIM 606764, HP:0100723.

Submissions (2):

Labcorp Genetics (formerly Invitae), Labcorp
Classification: Uncertain significance for Gastrointestinal stromal tumor. Last evaluated: 2022-08-01. Review status: criteria provided, single submitter. Criteria: Invitae Variant Classification Sherloc (09022015). Collection method: clinical testing. Allele origin: germline.
Comment: This variant is not present in population databases (gnomAD no frequency). This variant has not been reported in the literature in individuals affected with KIT-related conditions. Algorithms developed to predict the effect of missense changes on protein structure and function (SIFT, PolyPhen-2, Align-GVGD) all suggest that this variant is likely to be disruptive. In summary, the available evidence is currently insufficient to determine the role of this variant in disease. Therefore, it has been classified as a Variant of Uncertain Significance. This sequence change replaces aspartic acid, which is acidic and polar, with histidine, which is basic and polar, at codon 572 of the KIT protein (p.Asp572His).

National Institute of Cancer Research, National Health Research Institutes
Classification: Uncertain significance for Gastrointestinal stromal tumor. Review status: no assertion criteria provided. Collection method: research. Allele origin: somatic. Observed: 1 variant allele.
Comment: clinical data

NM_000222.3(KIT):c.1714G>C (p.Asp572His)

Gene: KIT (KIT proto-oncogene, receptor tyrosine kinase; plus strand). Cytogenetic location: 4q12.
Variant type: single nucleotide variant.
Coding change: c.1714G>C on transcript NM_000222.3 (MANE Select); coding-DNA position 1714, G replaced by C.
Protein change: p.Asp572His; replaces aspartic acid 572 with histidine.
Molecular consequence: missense variant.
Genome position (GRCh38, 1-based): chr4:54,727,482, G>C. VCF-style: chr4-54727482-G-C. GRCh37 (hg19) VCF-style: chr4-55593648-G-C.
Other names: c.1702G>C, p.Asp568His (NM_001093772.2, NM_001385286.1); c.1717G>C, p.Asp573His (NM_001385284.1, NM_001385290.1); c.1714G>C, p.Asp572His (NM_001385285.1); c.1705G>C, p.Asp569His (NM_001385288.1, NM_001385292.1); short protein forms D568H, D569H, D572H, D573H.
Identifiers: ClinVar variation 1714749 (VCV001714749.7), dbSNP rs2109776804, ClinGen allele CA356907548.